The following is an entry in ClinVar:

ClinVar aggregate classification (germline): Uncertain significance (1 of 4 stars; one submission).

Conditions:
Cornelia de Lange syndrome 5 (CDLS5). Also called: HDAC8-Related Cornelia de Lange Syndrome. Identifiers: Orphanet 199, MedGen C3550903, MONDO:0010471, OMIM 300882.

Submission:

Labcorp Genetics (formerly Invitae), Labcorp
Classification: Uncertain significance for Cornelia de Lange syndrome 5. Last evaluated: 2023-04-22. Review status: criteria provided, single submitter. Criteria: Invitae Variant Classification Sherloc (09022015). Collection method: clinical testing. Allele origin: germline.
Comment: In summary, the available evidence is currently insufficient to determine the role of this variant in disease. Therefore, it has been classified as a Variant of Uncertain Significance. Variants that disrupt the consensus splice site are a relatively common cause of aberrant splicing (PMID: 17576681, 9536098). Algorithms developed to predict the effect of sequence changes on RNA splicing suggest that this variant may create or strengthen a splice site. This variant has not been reported in the literature in individuals affected with HDAC8-related conditions. This variant is not present in population databases (gnomAD no frequency). This sequence change affects codon 37 of the HDAC8 mRNA. It is a 'silent' change, meaning that it does not change the encoded amino acid sequence of the HDAC8 protein. This variant also falls at the last nucleotide of exon 1, which is part of the consensus splice site for this exon.

Literature cited by the submitters: PubMed 17576681; PubMed 9536098.

NM_018486.3(HDAC8):c.111G>C (p.Arg37=)

Gene: HDAC8 (histone deacetylase 8; minus strand). Cytogenetic location: Xq13.1.
Variant type: single nucleotide variant.
Coding change: c.111G>C on transcript NM_018486.3 (MANE Select); coding-DNA position 111, G replaced by C.
Protein change: p.Arg37=; no amino-acid change (arginine 37 retained).
Molecular consequence: synonymous variant. On other transcripts: non-coding transcript variant (1).
Genome position (GRCh38, 1-based): chrX:72,572,651, C>G on the plus strand (G>C on the coding strand, the complement: HDAC8 is on the minus strand). VCF-style: chrX-72572651-C-G. GRCh37 (hg19) VCF-style: chrX-71792501-C-G.
Other names: c.111G>C, p.Arg37= (NM_001166418.2, NM_001166419.2, NM_001166420.2 and 7 more transcripts).
Identifiers: ClinVar variation 2853907 (VCV002853907.3), dbSNP rs2522253474, ClinGen allele CA516748879.